The following is an entry in ClinVar:

ClinVar aggregate classification (germline): Likely benign (1 of 4 stars; one submission).

Conditions:
CDHR1-related disorder. Also called: CDHR1-related condition.

gnomAD v4.1: 15 of 1,614,074 alleles (0.00093%); highest among the groups gnomAD compares: Admixed American, 0.0017%; no homozygotes.

Submission:

PreventionGenetics, part of Exact Sciences
Classification: Likely benign for CDHR1-related condition. Last evaluated: 2026-01-07. Review status: criteria provided, single submitter. Criteria: ACMG Guidelines, 2015. Collection method: clinical testing. Allele origin: germline.
Comment: This variant is classified as likely benign based on ACMG/AMP sequence variant interpretation guidelines (Richards et al. 2015 PMID: 25741868, with internal and published modifications).

NM_033100.4(CDHR1):c.2041-7C>T

Gene: CDHR1 (cadherin related family member 1; plus strand). Cytogenetic location: 10q23.1.
Variant type: single nucleotide variant.
Coding change: c.2041-7C>T on transcript NM_033100.4 (MANE Select); 7 bases into the intron before coding-DNA position 2041, C replaced by T.
Molecular consequence: intron variant.
Genome position (GRCh38, 1-based): chr10:84,214,075, C>T. VCF-style: chr10-84214075-C-T. GRCh37 (hg19) VCF-style: chr10-85973831-C-T.
Other names: c.2040+727C>T (NM_001171971.3).
Identifiers: ClinVar variation 4990404 (VCV004990404.1).
Genomic context (GRCh38, chr10:84,214,075, plus strand): 5'-ATACCTACTCTGTACTCCAGGGACCAGGTGGGAACAGCTGAGTGCAGGGAGTGGCTTTCT[C>T]TTTCAGACCCTCTCCCGGAGCCCCATGGCTGCCTTCCTGATACAGACCAAGGACAACCCC-3'